The following is an entry in ClinVar:

NM_001144952.2(SDK2):c.226T>C (p.Tyr76His)

Gene: SDK2 (sidekick cell adhesion molecule 2; minus strand). Cytogenetic location: 17q25.1.
Variant type: single nucleotide variant.
Coding change: c.226T>C on transcript NM_001144952.2 (MANE Select); coding-DNA position 226, T replaced by C.
Protein change: p.Tyr76His; replaces tyrosine 76 with histidine.
Molecular consequence: missense variant.
Genome position (GRCh38, 1-based): chr17:73,472,217, A>G on the plus strand (T>C on the coding strand, the complement: SDK2 is on the minus strand). VCF-style: chr17-73472217-A-G. GRCh37 (hg19) VCF-style: chr17-71468356-A-G.
Other names: short protein forms Y76H.
Identifiers: ClinVar variation 3024793 (VCV003024793.22), dbSNP rs117687984, ClinGen allele CA8744140.

ClinVar aggregate classification (germline): Benign (1 of 4 stars; one submission).

Allele frequency attached by ClinVar (database versions not stated): 1000 Genomes Project 0.00339; 1000 Genomes Project 30x 0.00375; ExAC 0.00571; TOPMed 0.00773; gnomAD 0.00788; ESP Exome Variant Server 0.00876; gnomAD exomes 0.01142.
gnomAD v4.1: 17,012 of 1,550,964 alleles (1.1%); highest among the groups gnomAD compares: Non-Finnish European, 1.4%; 136 homozygotes.

Submission:

CeGaT Center for Human Genetics Tuebingen
Classification: Benign. Last evaluated: 2024-02-01. Review status: criteria provided, single submitter. Criteria: CeGaT Center For Human Genetics Tuebingen Variant Classification Criteria Version 2. Collection method: clinical testing. Allele origin: germline. Affected: yes. Observed: 1 variant allele.
Comment: SDK2: BS1, BS2